The following is an entry in ClinVar:

ClinVar aggregate classification (germline): Uncertain significance (1 of 4 stars; one submission).

Conditions:
Inborn genetic diseases. Identifiers: MedGen C0950123, MeSH D030342.

Submission:

Ambry Genetics
Classification: Uncertain significance for Inborn genetic diseases. Last evaluated: 2025-05-24. Review status: criteria provided, single submitter. Criteria: Ambry Variant Classification Scheme 2023. Collection method: clinical testing. Allele origin: germline.
Comment: The p.P378R variant (also known as c.1133C>G), located in coding exon 9 of the BUB1B gene, results from a C to G substitution at nucleotide position 1133. The proline at codon 378 is replaced by arginine, an amino acid with dissimilar properties. This amino acid position is conserved. In addition, this alteration is predicted to be tolerated by in silico analysis. Based on the available evidence, the clinical significance of this variant remains unclear.

NM_001211.6(BUB1B):c.1133C>G (p.Pro378Arg)

Gene: BUB1B (BUB1 mitotic checkpoint serine/threonine kinase B; plus strand). Cytogenetic location: 15q15.1.
Variant type: single nucleotide variant.
Coding change: c.1133C>G on transcript NM_001211.6 (MANE Select); coding-DNA position 1133, C replaced by G.
Protein change: p.Pro378Arg; replaces proline 378 with arginine.
Molecular consequence: missense variant.
Genome position (GRCh38, 1-based): chr15:40,196,619, C>G. VCF-style: chr15-40196619-C-G. GRCh37 (hg19) VCF-style: chr15-40488820-C-G.
Other names: short protein forms P378R.
Identifiers: ClinVar variation 3993734 (VCV003993734.1).